The following is an entry in ClinVar:

NM_170601.5(SIAE):c.1436G>A (p.Arg479His)

Gene: SIAE (sialic acid acetylesterase; minus strand). Cytogenetic location: 11q24.2.
Variant type: single nucleotide variant.
Coding change: c.1436G>A on transcript NM_170601.5 (MANE Select); coding-DNA position 1436, G replaced by A.
Protein change: p.Arg479His; replaces arginine 479 with histidine.
Molecular consequence: missense variant.
Genome position (GRCh38, 1-based): chr11:124,637,087, C>T on the plus strand (G>A on the coding strand, the complement: SIAE is on the minus strand). VCF-style: chr11-124637087-C-T. GRCh37 (hg19) VCF-style: chr11-124506983-C-T.
Other names: c.1331G>A, p.Arg444His (NM_001199922.2); short protein forms R444H, R479H.
Identifiers: ClinVar variation 1361903 (VCV001361903.8), dbSNP rs767336791, ClinGen allele CA6341174.

ClinVar aggregate classification (germline): Uncertain significance (1 of 4 stars; one submission).

Allele frequency attached by ClinVar (database versions not stated): ExAC 0.00002; gnomAD 0.00001; TOPMed 0.00001; gnomAD exomes below 0.00001.
gnomAD v4.1: 31 of 1,613,986 alleles (0.0019%); highest among the groups gnomAD compares: East Asian, 0.04%; 1 homozygote.

Submission:

Labcorp Genetics (formerly Invitae), Labcorp
Classification: Uncertain significance. Last evaluated: 2026-02-01. Review status: criteria provided, single submitter. Criteria: Invitae Variant Classification Sherloc (09022015). Collection method: clinical testing. Allele origin: germline.
Comment: This sequence change replaces arginine, which is basic and polar, with histidine, which is basic and polar, at codon 479 of the SIAE protein (p.Arg479His). This variant is present in population databases (rs767336791, gnomAD 0.0009%). This variant has not been reported in the literature in individuals affected with SIAE-related conditions. ClinVar contains an entry for this variant (Variation ID: 1361903). An algorithm developed to predict the effect of missense changes on protein structure and function (PolyPhen-2) suggests that this variant is likely to be disruptive. In summary, the available evidence is currently insufficient to determine the role of this variant in disease. Therefore, it has been classified as a Variant of Uncertain Significance.